The following is an entry in ClinVar:

ClinVar aggregate classification (germline): Pathogenic. Review status: criteria provided, multiple submitters, no conflicts (2 of 4 stars). 2 submissions from 2 submitters: Pathogenic (2). Last evaluated 2023-06-27.

Conditions:
BBS12-related disorder. Also called: BBS12-related condition.
Bardet-Biedl syndrome (BBS). Identifiers: Orphanet 110, MedGen C0752166, MONDO:0015229.

Submissions (2):

Labcorp Genetics (formerly Invitae), Labcorp
Classification: Pathogenic for Bardet-Biedl syndrome. Last evaluated: 2023-06-27. Review status: criteria provided, single submitter. Criteria: Invitae Variant Classification Sherloc (09022015). Collection method: clinical testing. Allele origin: germline.
Comment: This variant is not present in population databases (gnomAD no frequency). This premature translational stop signal has been observed in individual(s) with Bardet-Biedl syndrome (PMID: 20120035). ClinVar contains an entry for this variant (Variation ID: 2203571). This variant disrupts a region of the BBS12 protein in which other variant(s) (p.Ser701*) have been determined to be pathogenic (PMID: 20648243). This suggests that this is a clinically significant region of the protein, and that variants that disrupt it are likely to be disease-causing. For these reasons, this variant has been classified as Pathogenic. This sequence change creates a premature translational stop signal (p.Cys140Trpfs*15) in the BBS12 gene. While this is not anticipated to result in nonsense mediated decay, it is expected to disrupt the last 571 amino acid(s) of the BBS12 protein.

Blueprint Genetics
Classification: Pathogenic for BBS12-related disorders. Last evaluated: 2020-09-22. Review status: criteria provided, single submitter. Criteria: ACMG Guidelines, 2015. Collection method: clinical testing. Allele origin: germline. Affected: yes. Observed: 3 variant alleles.

Literature cited by the submitters: PubMed 20120035 (cited by Labcorp Genetics (formerly Invitae), Labcorp); PubMed 20648243 (cited by Labcorp Genetics (formerly Invitae), Labcorp).

NM_152618.3(BBS12):c.420_423del (p.Cys140fs)

Gene: BBS12 (Bardet-Biedl syndrome 12; plus strand). Cytogenetic location: 4q27.
Variant type: Deletion.
Coding change: c.420_423del on transcript NM_152618.3 (MANE Select); coding-DNA positions 420 to 423, 4 bases deleted (TATG; older notation c.420_423delTATG).
Protein change: p.Cys140fs; shifts the reading frame from cysteine 140.
Molecular consequence: frameshift variant.
Genome position (GRCh38, 1-based): chr4:122,742,312-122,742,315, TATG deleted; deleting any 4 consecutive bases within chr4:122,742,310-122,742,315 gives the same sequence; the c. name uses the placement nearest the transcript's 3' end. VCF-style (leftmost placement, unchanged base first): chr4-122742309-CTGTA-C. GRCh37 (hg19) VCF-style: chr4-123663464-CTGTA-C.
Other names: c.420_423del, p.Cys140fs (NM_001178007.2); short protein forms C140fs.
Identifiers: ClinVar variation 2203571 (VCV002203571.5), dbSNP rs1405082840, ClinGen allele CA786437844.